The following is an entry in ClinVar:

NM_007373.4(SHOC2):c.485C>T (p.Pro162Leu)

Gene: SHOC2 (SHOC2 leucine rich repeat scaffold protein; plus strand). Cytogenetic location: 10q25.2.
Variant type: single nucleotide variant.
Coding change: c.485C>T on transcript NM_007373.4 (MANE Select); coding-DNA position 485, C replaced by T.
Protein change: p.Pro162Leu; replaces proline 162 with leucine.
Molecular consequence: missense variant. On other transcripts: 5 prime UTR variant (1), non-coding transcript variant (1), intron variant (3).
Genome position (GRCh38, 1-based): chr10:110,964,843, C>T. VCF-style: chr10-110964843-C-T. GRCh37 (hg19) VCF-style: chr10-112724601-C-T.
Other names: c.485C>T, p.Pro162Leu (NM_001269039.3, NM_001324336.2, NM_001324337.2 and 4 more transcripts); c.-302C>T (NM_001441188.1); c.-380-20785C>T (NM_001441190.1); c.-249-20785C>T (NM_001441191.1); c.-242-35572C>T (NM_001441189.1); short protein forms P162L.
Identifiers: ClinVar variation 4744148 (VCV004744148.1).

ClinVar aggregate classification (germline): Uncertain significance (1 of 4 stars; one submission).

Conditions:
RASopathy. Also called: rasopathies; Noonan spectrum disorder. Identifiers: Orphanet 536391, MedGen C5555857, MONDO:0021060.

Submission:

Labcorp Genetics (formerly Invitae), Labcorp
Classification: Uncertain significance for RASopathy. Last evaluated: 2025-08-16. Review status: criteria provided, single submitter. Criteria: Invitae Variant Classification Sherloc (09022015). Collection method: clinical testing. Allele origin: germline.
Comment: This sequence change replaces proline, which is neutral and non-polar, with leucine, which is neutral and non-polar, at codon 162 of the SHOC2 protein (p.Pro162Leu). This variant is not present in population databases (gnomAD no frequency). This variant has not been reported in the literature in individuals affected with SHOC2-related conditions. Invitae Evidence Modeling of protein sequence and biophysical properties (such as structural, functional, and spatial information, amino acid conservation, physicochemical variation, residue mobility, and thermodynamic stability) indicates that this missense variant is expected to disrupt SHOC2 protein function with a positive predictive value of 80%. In summary, the available evidence is currently insufficient to determine the role of this variant in disease. Therefore, it has been classified as a Variant of Uncertain Significance.